The following is an entry in ClinVar:

ClinVar aggregate classification (germline): Uncertain significance (1 of 4 stars; one submission).

Conditions:
Familial temporal lobe epilepsy 7. Identifiers: Orphanet 101046, MedGen C4225327, MONDO:0014639, OMIM 616436.
Norman-Roberts syndrome (LIS2). Also called: Lissencephaly 2 (Norman-Roberts type). Identifiers: Orphanet 89844, MedGen C0796089, MONDO:0009760, OMIM 257320.

Allele frequency attached by ClinVar (database versions not stated): gnomAD 0.00001.
gnomAD v4.1: 2 of 1,613,998 alleles (0.00012%); highest among the groups gnomAD compares: Non-Finnish European, 0.000085%; no homozygotes.

Submission:

Labcorp Genetics (formerly Invitae), Labcorp
Classification: Uncertain significance for Familial temporal lobe epilepsy 7; Norman-Roberts syndrome. Last evaluated: 2024-05-15. Review status: criteria provided, single submitter. Criteria: Invitae Variant Classification Sherloc (09022015). Collection method: clinical testing. Allele origin: germline.
Comment: This sequence change replaces glycine, which is neutral and non-polar, with alanine, which is neutral and non-polar, at codon 2487 of the RELN protein (p.Gly2487Ala). This variant is present in population databases (no rsID available, gnomAD 0.007%). This variant has not been reported in the literature in individuals affected with RELN-related conditions. Advanced modeling of protein sequence and biophysical properties (such as structural, functional, and spatial information, amino acid conservation, physicochemical variation, residue mobility, and thermodynamic stability) performed at Invitae indicates that this missense variant is not expected to disrupt RELN protein function with a negative predictive value of 80%. In summary, the available evidence is currently insufficient to determine the role of this variant in disease. Therefore, it has been classified as a Variant of Uncertain Significance.

NM_005045.4(RELN):c.7460G>C (p.Gly2487Ala)

Gene: RELN (reelin; minus strand). Cytogenetic location: 7q22.1.
Variant type: single nucleotide variant.
Coding change: c.7460G>C on transcript NM_005045.4 (MANE Select); coding-DNA position 7460, G replaced by C.
Protein change: p.Gly2487Ala; replaces glycine 2487 with alanine.
Molecular consequence: missense variant.
Genome position (GRCh38, 1-based): chr7:103,523,421, C>G on the plus strand (G>C on the coding strand, the complement: RELN is on the minus strand). VCF-style: chr7-103523421-C-G. GRCh37 (hg19) VCF-style: chr7-103163868-C-G.
Other names: c.7460G>C, p.Gly2487Ala (NM_173054.3); short protein forms G2487A.
Identifiers: ClinVar variation 2947975 (VCV002947975.3), dbSNP rs1177274775, ClinGen allele CA368767731.
Genomic context (GRCh38, chr7:103,523,421, plus strand): 5'-TCAACAGAAGGAAGAAAAAAACCGACTTACACGCAGTTTCCCTGGATGCATCTCCCATGG[C>G]CACTGCACATGTCTATGCAGCCATCCCCGATATAGACATTATCTATTGCCCATGTCTGCT-3'
Protein context (NP_005036.2, residues 2477-2497): IGDGCIDMCS[Gly2487Ala]HGRCIQGNCV